The following is an entry in ClinVar:

NM_001148.6(ANK2):c.3703A>G (p.Met1235Val)

Gene: ANK2 (ankyrin 2; plus strand). Cytogenetic location: 4q26.
Variant type: single nucleotide variant.
Coding change: c.3703A>G on transcript NM_001148.6 (MANE Select); coding-DNA position 3703, A replaced by G.
Protein change: p.Met1235Val; replaces methionine 1235 with valine.
Molecular consequence: missense variant.
Genome position (GRCh38, 1-based): chr4:113,336,688, A>G. VCF-style: chr4-113336688-A-G. GRCh37 (hg19) VCF-style: chr4-114257844-A-G.
Other names: c.3676A>G, p.Met1226Val (NM_001127493.3); c.3715A>G, p.Met1239Val (NM_001354225.2); c.3604A>G, p.Met1202Val (NM_001354228.2, NM_001354258.2); c.3682A>G, p.Met1228Val (NM_001354230.2); c.3745A>G, p.Met1249Val (NM_001354231.2, NM_001354242.2); c.3739A>G, p.Met1247Val (NM_001354232.2); c.3700A>G, p.Met1234Val (NM_001354235.2, NM_001354246.2, NM_001354265.2); c.3601A>G, p.Met1201Val (NM_001354236.2); and 31 more; short protein forms M1074V, M1107V, M1135V, M1140V, M1148V, M1160V, M1164V, M1168V.
Identifiers: ClinVar variation 3602201 (VCV003602201.1).

ClinVar aggregate classification (germline): Uncertain significance (1 of 4 stars; one submission).

Submission:

GeneDx
Classification: Uncertain significance. Last evaluated: 2024-07-29. Review status: criteria provided, single submitter. Criteria: GeneDx Variant Classification Process June 2021. Collection method: clinical testing. Allele origin: germline. Affected: yes.
Comment: Not observed at significant frequency in large population cohorts (gnomAD); In silico analysis supports that this missense variant has a deleterious effect on protein structure/function; Has not been previously published as pathogenic or benign to our knowledge